The following is an entry in ClinVar:

NM_001367624.2(ZNF469):c.4747G>A (p.Gly1583Arg)

Gene: ZNF469 (zinc finger protein 469; plus strand). Cytogenetic location: 16q24.2.
Variant type: single nucleotide variant.
Coding change: c.4747G>A on transcript NM_001367624.2 (MANE Select); coding-DNA position 4747, G replaced by A.
Protein change: p.Gly1583Arg; replaces glycine 1583 with arginine.
Molecular consequence: missense variant.
Genome position (GRCh38, 1-based): chr16:88,432,217, G>A. VCF-style: chr16-88432217-G-A. GRCh37 (hg19) VCF-style: chr16-88498625-G-A.
Other names: short protein forms G1583R.
Identifiers: ClinVar variation 2099612 (VCV002099612.4), dbSNP rs2507588465, ClinGen allele CA397093278.
Genomic context (GRCh38, chr16:88,432,217, plus strand): 5'-GAGATCCAGAAATTGGTCACCGAATTAGAAAGTCAGCTGCAAAGGAGCAAAGACACACGT[G>A]GGGCCCCGAGAGAGCTTGCAGAAGCTGAGTCGGTGGGCAGGGTGGAGCTCGGCACAGGCA-3'
Protein context (NP_001354553.1, residues 1573-1593): SQLQRSKDTR[Gly1583Arg]APRELAEAES

ClinVar aggregate classification (germline): Uncertain significance (1 of 4 stars; one submission).

Submission:

Labcorp Genetics (formerly Invitae), Labcorp
Classification: Uncertain significance. Last evaluated: 2022-11-22. Review status: criteria provided, single submitter. Criteria: Invitae Variant Classification Sherloc (09022015). Collection method: clinical testing. Allele origin: germline.
Comment: In summary, the available evidence is currently insufficient to determine the role of this variant in disease. Therefore, it has been classified as a Variant of Uncertain Significance. Algorithms developed to predict the effect of missense changes on protein structure and function output the following: SIFT: "Tolerated"; PolyPhen-2: "Benign"; Align-GVGD: "Class C0". The arginine amino acid residue is found in multiple mammalian species, which suggests that this missense change does not adversely affect protein function. This variant has not been reported in the literature in individuals affected with ZNF469-related conditions. This variant is not present in population databases (gnomAD no frequency). This sequence change replaces glycine, which is neutral and non-polar, with arginine, which is basic and polar, at codon 1555 of the ZNF469 protein (p.Gly1555Arg).